The following is an entry in ClinVar:

NM_001903.5(CTNNA1):c.2522C>A (p.Thr841Asn)

Gene: CTNNA1 (catenin alpha 1; plus strand). Cytogenetic location: 5q31.2.
Variant type: single nucleotide variant.
Coding change: c.2522C>A on transcript NM_001903.5 (MANE Select); coding-DNA position 2522, C replaced by A.
Protein change: p.Thr841Asn; replaces threonine 841 with asparagine.
Molecular consequence: missense variant. On other transcripts: 3 prime UTR variant (5).
Genome position (GRCh38, 1-based): chr5:138,933,890, C>A. VCF-style: chr5-138933890-C-A. GRCh37 (hg19) VCF-style: chr5-138269579-C-A.
Other names: c.1412C>A, p.Thr471Asn (NM_001323992.1, NM_001323993.1, NM_001323994.1 and 12 more transcripts); c.1277C>A, p.Thr426Asn (NM_001324001.1); c.*67C>A (NM_001290307.3, NM_001324002.1, NM_001324003.1 and 2 more transcripts); c.2213C>A, p.Thr738Asn (NM_001290309.3); c.2153C>A, p.Thr718Asn (NM_001290310.3); c.2522C>A, p.Thr841Asn (NM_001323982.2, NM_001323983.1, NM_001323984.2); c.2495C>A, p.Thr832Asn (NM_001323985.2); c.2429C>A, p.Thr810Asn (NM_001323986.2); and 3 more; short protein forms T738N, T426N, T471N, T832N, T358N, T390N, T841N, T440N.
Identifiers: ClinVar variation 650084 (VCV000650084.14), dbSNP rs771672517, ClinGen allele CA3432261.

ClinVar aggregate classification (germline): Conflicting classifications of pathogenicity. Review status: criteria provided, conflicting classifications (1 of 4 stars). 3 submissions from 3 submitters: Uncertain significance (2); Likely benign (1). Last evaluated 2026-04-28.

Conditions:
Hereditary cancer-predisposing syndrome. Also called: Hereditary Cancer Syndrome; Hereditary neoplastic syndrome; Neoplastic Syndromes, Hereditary; Tumor predisposition. Identifiers: Orphanet 140162, MedGen C0027672, MeSH D009386, MONDO:0015356.
Hereditary diffuse gastric adenocarcinoma (HDGC). Also called: DIFFUSE GASTRIC AND LOBULAR BREAST CANCER SYNDROME. Identifiers: Orphanet 26106, MedGen C1708349, MONDO:0007648, OMIM 137215.

Allele frequency attached by ClinVar (database versions not stated): ExAC 0.00001; TOPMed 0.00002; gnomAD 0.00003 and 0.00002; gnomAD exomes 0.00005 and 0.00002.
gnomAD v4.1: 69 of 1,614,064 alleles (0.0043%); highest among the groups gnomAD compares: Non-Finnish European, 0.0058%; no homozygotes.

Submissions (3):

Myriad Genetics, Inc.
Classification: Likely benign for Hereditary diffuse gastric adenocarcinoma. Last evaluated: 2026-04-28. Review status: criteria provided, single submitter. Criteria: Myriad Autosomal Dominant, Autosomal Recessive and X-Linked Classification Criteria (2023). Collection method: clinical testing. Allele origin: unknown.
Comment: This variant is considered likely benign. Homozygosity has been confirmed in one or more individuals. As homozygosity for pathogenic variants in this gene is generally assumed to result in embryonic lethality, this variant is unlikely to be pathogenic.

Labcorp Genetics (formerly Invitae), Labcorp
Classification: Uncertain significance. Last evaluated: 2026-01-13. Review status: criteria provided, single submitter. Criteria: Invitae Variant Classification Sherloc (09022015). Collection method: clinical testing. Allele origin: germline.
Comment: This sequence change replaces threonine, which is neutral and polar, with asparagine, which is neutral and polar, at codon 841 of the CTNNA1 protein (p.Thr841Asn). This variant is present in population databases (rs771672517, gnomAD 0.005%). This variant has not been reported in the literature in individuals affected with CTNNA1-related conditions. ClinVar contains an entry for this variant (Variation ID: 650084). Invitae Evidence Modeling of protein sequence and biophysical properties (such as structural, functional, and spatial information, amino acid conservation, physicochemical variation, residue mobility, and thermodynamic stability) has been performed for this missense variant. However, the output from this modeling did not meet the statistical confidence thresholds required to predict the impact of this variant on CTNNA1 protein function. In summary, the available evidence is currently insufficient to determine the role of this variant in disease. Therefore, it has been classified as a Variant of Uncertain Significance.

Ambry Genetics
Classification: Uncertain significance for Hereditary cancer-predisposing syndrome. Last evaluated: 2025-05-09. Review status: criteria provided, single submitter. Criteria: Ambry Variant Classification Scheme 2023. Collection method: clinical testing. Allele origin: germline.
Comment: The p.T841N variant (also known as c.2522C>A), located in coding exon 17 of the CTNNA1 gene, results from a C to A substitution at nucleotide position 2522. The threonine at codon 841 is replaced by asparagine, an amino acid with similar properties. This amino acid position is highly conserved in available vertebrate species. In addition, this alteration is predicted to be tolerated by in silico analysis. Based on the available evidence, the clinical significance of this variant remains unclear.